The following is an entry in ClinVar:

NM_001318510.2(ACSL4):c.-12-104T>G

Gene: ACSL4 (acyl-CoA synthetase long chain family member 4; minus strand). Cytogenetic location: Xq23.
Variant type: single nucleotide variant.
Coding change: c.-12-104T>G on transcript NM_001318510.2 (MANE Select); 104 bases into the intron before 12 bases upstream of the start codon, T replaced by G.
Molecular consequence: intron variant. On other transcripts: missense variant (2).
Genome position (GRCh38, 1-based): chrX:109,683,479, A>C on the plus strand (T>G on the coding strand, the complement: ACSL4 is on the minus strand). VCF-style: chrX-109683479-A-C. GRCh37 (hg19) VCF-style: chrX-108926708-A-C.
Other names: c.8T>G, p.Leu3Arg (NM_001318509.2, NM_022977.3); c.-9-107T>G (NM_004458.3); short protein forms L3R.
Identifiers: ClinVar variation 2428985 (VCV002428985.3), dbSNP rs2521243911, ClinGen allele CA414219616.
Genomic context (GRCh38, chrX:109,683,479, plus strand): 5'-CTGTATATTGTTATTAACAAGTGGACAGGCAGCAAAATAATGGTGAGCACATTTAGCTTA[A>C]GTTTCATAGTGGAAAGGCTTCTAAAATGGTGCTTATTTCTTGTTATTCTTTGGCTTTTGA-3'

ClinVar aggregate classification (germline): Uncertain significance (1 of 4 stars; one submission).

Submission:

GeneDx
Classification: Uncertain significance. Last evaluated: 2023-02-02. Review status: criteria provided, single submitter. Criteria: GeneDx Variant Classification Process June 2021. Collection method: clinical testing. Allele origin: germline. Affected: yes.
Comment: Located in an alternate transcript of the gene; Has not been previously published as pathogenic or benign to our knowledge; Not observed at significant frequency in large population cohorts (gnomAD); In silico analysis suggests this variant may impact gene splicing. In the absence of RNA/functional studies, the actual effect of this sequence change is unknown.